The following is an entry in ClinVar:

NM_033360.4(KRAS):c.536G>A (p.Gly179Asp)

Gene: KRAS (KRas proto-oncogene, GTPase; minus strand). Cytogenetic location: 12p12.1.
Variant type: single nucleotide variant.
Coding change: c.536G>A on transcript NM_033360.4 (MANE Plus Clinical); coding-DNA position 536, G replaced by A.
Protein change: p.Gly179Asp; replaces glycine 179 with aspartic acid.
Molecular consequence: missense variant. On other transcripts: intron variant (2).
Genome position (GRCh38, 1-based): chr12:25,215,475, C>T on the plus strand (G>A on the coding strand, the complement: KRAS is on the minus strand). VCF-style: chr12-25215475-C-T. GRCh37 (hg19) VCF-style: chr12-25368409-C-T.
Other names: c.536G>A, p.Gly179Asp (NM_001369786.1); c.451-5564G>A (NM_001369787.1, NM_004985.5); short protein forms G179D.
Identifiers: ClinVar variation 4887647 (VCV004887647.1).

ClinVar aggregate classification (germline): Uncertain significance (1 of 4 stars; one submission).

Submission:

Women's Health and Genetics/Laboratory Corporation of America, LabCorp
Classification: Uncertain significance. Last evaluated: 2026-06-26. Review status: criteria provided, single submitter. Criteria: LabCorp Variant Classification Summary - May 2015. Collection method: clinical testing. Allele origin: germline.
Comment: Variant summary: KRAS c.536G>A (p.Gly179Asp) results in a non-conservative amino acid change in the encoded protein sequence. Algorithms developed to predict the effect of missense changes on protein structure and function are either unavailable or do not agree on the potential impact of this missense change. The variant was absent in 251220 control chromosomes. The available data on variant occurrences in the general population are insufficient to allow any conclusion about variant significance. To our knowledge, no occurrence of c.536G>A in individuals affected with KRAS-related conditions and no experimental evidence demonstrating its impact on protein function have been reported. No submitters have cited clinical-significance assessments for this variant to ClinVar. Based on the evidence outlined above, the variant was classified as uncertain significance.